The following is an entry in ClinVar:

ClinVar aggregate classification (germline): Benign/Likely benign. Review status: criteria provided, multiple submitters, no conflicts (2 of 4 stars). 7 submissions from 6 submitters: Benign (5); Likely benign (2). Last evaluated 2026-02-01.

Conditions:
Pseudohypoaldosteronism, type IB1, autosomal recessive. Also called: Pseudohypoaldosteronism, Type I, Autosomal Recessive; PHA I, AUTOSOMAL RECESSIVE; Pseudohypoaldosteronism, Type I, Recessive; Autosomal recessive pseudohypoaldosteronism type 1. Identifiers: Orphanet 171876, Orphanet 756, MedGen C5774176, MONDO:0009917, OMIM 264350.
Bronchiectasis with or without elevated sweat chloride 2 (BESC2). Identifiers: Orphanet 60033, MedGen C2751666, MONDO:0013087, OMIM 613021.

Allele frequency attached by ClinVar (database versions not stated): gnomAD exomes 0.00357 and 0.00746; ExAC 0.00853; gnomAD 0.01493 and 0.01509; TOPMed 0.01627; ESP Exome Variant Server 0.01707; 1000 Genomes Project 0.01857; 1000 Genomes Project 30x 0.02077.
gnomAD v4.1: 7,655 of 1,602,436 alleles (0.48%); highest among the groups gnomAD compares: African/African-American, 4.6%; 112 homozygotes.

Submissions (7):

Labcorp Genetics (formerly Invitae), Labcorp
Classification: Benign. Last evaluated: 2026-02-01. Review status: criteria provided, single submitter. Criteria: Invitae Variant Classification Sherloc (09022015). Collection method: clinical testing. Allele origin: germline.

Mayo Clinic Laboratories, Mayo Clinic
Classification: Benign. Last evaluated: 2023-06-09. Review status: criteria provided, single submitter. Criteria: ACMG Guidelines, 2015. Collection method: clinical testing. Allele origin: germline. Observed: 2 variant alleles.
Comment: BS1, BS2, BP4, BP7

GeneDx
Classification: Likely benign. Last evaluated: 2021-01-23. Review status: criteria provided, single submitter. Criteria: GeneDx Variant Classification Process June 2021. Collection method: clinical testing. Allele origin: germline. Affected: yes.

Illumina Laboratory Services, Illumina
Classification: Benign for Bronchiectasis with or without elevated sweat chloride 2. Last evaluated: 2018-01-12. Review status: criteria provided, single submitter. Criteria: ICSL Variant Classification Criteria 13 December 2019. Collection method: clinical testing. Allele origin: germline.
Comment: This variant was observed in the ICSL laboratory as part of a predisposition screen in an ostensibly healthy population. It had not been previously curated by ICSL or reported in the Human Gene Mutation Database (HGMD: prior to June 1st, 2018), and was therefore a candidate for classification through an automated scoring system. Utilizing variant allele frequency, disease prevalence and penetrance estimates, and inheritance mode, an automated score was calculated to assess if this variant is too frequent to cause the disease. Based on the score and internal cut-off values, a variant classified as benign is not then subjected to further curation. The score for this variant resulted in a classification of benign for this disease.

Illumina Laboratory Services, Illumina
Classification: Benign for Pseudohypoaldosteronism, type IB1, autosomal recessive. Last evaluated: 2018-01-12. Review status: criteria provided, single submitter. Criteria: ICSL Variant Classification Criteria 13 December 2019. Collection method: clinical testing. Allele origin: germline.
Comment: the same text as in the submission from Illumina Laboratory Services, Illumina above.

Laboratory for Molecular Medicine, Mass General Brigham Personalized Medicine
Classification: Benign. Last evaluated: 2014-11-26. Review status: criteria provided, single submitter. Criteria: LMM Criteria. Collection method: clinical testing. Allele origin: germline. Observed: 2 variant alleles.
Comment: p.Asn385Asn in exon 4 of SCNN1A: This variant is not expected to have clinical s ignificance because it has been identified in 4.7% (208/4406) of African America n chromosomes by the NHLBI Exome Sequencing Project (u/EVS/; dbSNP rs61731141).

Breakthrough Genomics
Classification: Likely benign. Review status: criteria provided, single submitter. Criteria: ACMG Guidelines, 2015. Collection method: not provided. Allele origin: germline. Inheritance: Autosomal recessive inheritance. Affected: yes.

NM_001038.6(SCNN1A):c.978C>T (p.Asn326=)

Gene: SCNN1A (sodium channel epithelial 1 subunit alpha; minus strand). Cytogenetic location: 12p13.31.
Variant type: single nucleotide variant.
Coding change: c.978C>T on transcript NM_001038.6 (MANE Select); coding-DNA position 978, C replaced by T.
Protein change: p.Asn326=; no amino-acid change (asparagine 326 retained).
Molecular consequence: synonymous variant.
Genome position (GRCh38, 1-based): chr12:6,355,778, G>A on the plus strand (C>T on the coding strand, the complement: SCNN1A is on the minus strand). VCF-style: chr12-6355778-G-A. GRCh37 (hg19) VCF-style: chr12-6464944-G-A.
Other names: p.Asn326=; c.1047C>T, p.Asn349= (NM_001159575.2); c.1155C>T, p.Asn385= (NM_001159576.2).
Identifiers: ClinVar variation 310144 (VCV000310144.21), dbSNP rs61731141, ClinGen allele CA6406050.